The following is an entry in ClinVar:

NM_020458.4(TTC7A):c.2258G>A (p.Arg753Gln)

Gene: TTC7A (tetratricopeptide repeat domain 7A; plus strand). Cytogenetic location: 2p21.
Variant type: single nucleotide variant.
Coding change: c.2258G>A on transcript NM_020458.4 (MANE Select); coding-DNA position 2258, G replaced by A.
Protein change: p.Arg753Gln; replaces arginine 753 with glutamine.
Molecular consequence: missense variant.
Genome position (GRCh38, 1-based): chr2:47,060,874, G>A. VCF-style: chr2-47060874-G-A. GRCh37 (hg19) VCF-style: chr2-47288013-G-A.
Other names: p.Arg753Gln; c.2330G>A, p.Arg777Gln (NM_001288951.2); c.2156G>A, p.Arg719Gln (NM_001288953.2); c.1196G>A, p.Arg399Gln (NM_001288955.2); short protein forms R719Q, R753Q, R399Q, R777Q.
Identifiers: ClinVar variation 707926 (VCV000707926.15), dbSNP rs201842124, ClinGen allele CA1648079.

ClinVar aggregate classification (germline): Conflicting classifications of pathogenicity. Review status: criteria provided, conflicting classifications (1 of 4 stars). 4 submissions from 4 submitters: Uncertain significance (1); Likely benign (2). 1 of the submissions does not count toward it. Last evaluated 2026-01-26.

Conditions:
TTC7A-related disorder. Also called: TTC7A-related condition.
Multiple gastrointestinal atresias. Also called: FAMILIAL INTESTINAL POLYATRESIA SYNDROME; Multiple intestinal atresia. Identifiers: Orphanet 2300, MedGen C0220744, MONDO:0009465.

Allele frequency attached by ClinVar (database versions not stated): ESP Exome Variant Server 0.00008; gnomAD 0.00019 and 0.00030; gnomAD exomes 0.00033 and 0.00051; TOPMed 0.00041; ExAC 0.00058; 1000 Genomes Project 30x 0.00078; 1000 Genomes Project 0.00080.
gnomAD v4.1: 535 of 1,614,158 alleles (0.033%); highest among the groups gnomAD compares: South Asian, 0.35%; 4 homozygotes.

Submissions (4):

Labcorp Genetics (formerly Invitae), Labcorp
Classification: Likely benign for Multiple gastrointestinal atresias. Last evaluated: 2026-01-26. Review status: criteria provided, single submitter. Criteria: Invitae Variant Classification Sherloc (09022015). Collection method: clinical testing. Allele origin: germline.

Mayo Clinic Laboratories, Mayo Clinic
Classification: Likely benign. Last evaluated: 2025-03-31. Review status: criteria provided, single submitter. Criteria: ACMG Guidelines, 2015. Collection method: clinical testing. Allele origin: germline. Observed: 2 variant alleles.
Comment: BS1, BS2_supporting, BP4_moderate

Blueprint Genetics
Classification: Uncertain significance. Last evaluated: 2024-10-25. Review status: criteria provided, single submitter. Criteria: ACMG Guidelines, 2015. Collection method: clinical testing. Allele origin: germline.

PreventionGenetics, part of Exact Sciences
Classification: Likely benign for TTC7A-related condition. Last evaluated: 2023-08-11. Review status: no assertion criteria provided. Collection method: clinical testing. Allele origin: germline. Not counted in ClinVar's aggregate classification.
Comment: This variant is classified as likely benign based on ACMG/AMP sequence variant interpretation guidelines (Richards et al. 2015 PMID: 25741868, with internal and published modifications).